The following is an entry in ClinVar:

NM_001009944.3(PKD1):c.5931del (p.Asn1978fs)

Gene: PKD1 (polycystin 1, transient receptor potential channel interacting; minus strand). Cytogenetic location: 16p13.3.
Variant type: Deletion.
Coding change: c.5931del on transcript NM_001009944.3 (MANE Select); coding-DNA position 5931, one base deleted (C; older notation c.5931delC).
Protein change: p.Asn1978fs; shifts the reading frame from asparagine 1978.
Molecular consequence: frameshift variant.
Genome position (GRCh38, 1-based): chr16:2,109,236, G deleted on the plus strand (C on the coding strand, the reverse complement: PKD1 is on the minus strand); the first of 3 consecutive G bases (chr16:2,109,236-2,109,238); deleting any one gives the same sequence. VCF-style (leftmost placement, unchanged base first): chr16-2109235-TG-T. GRCh37 (hg19) VCF-style: chr16-2159236-TG-T.
Other names: c.5931del, p.Asn1978fs (NM_000296.4); c.5931delC (NM_001009944.3); short protein forms N1978fs.
Identifiers: ClinVar variation 3902597 (VCV003902597.1).

ClinVar aggregate classification (germline): Pathogenic (1 of 4 stars; one submission).

Conditions:
Polycystic kidney disease, adult type (PKD1). Also called: Polycystic Kidney Disease 1, Autosomal Dominant; Polycystic kidney disease 1; Polycystic kidney disease 1, severe; Polycystic Kidney, Autosomal Dominant; POLYCYSTIC KIDNEY DISEASE 1 WITH OR WITHOUT POLYCYSTIC LIVER DISEASE; POLYCYSTIC KIDNEY DISEASE, ADULT, TYPE I. Identifiers: MedGen C3149841, MONDO:0008263, OMIM 173900.

Submission:

Women's Health and Genetics/Laboratory Corporation of America, LabCorp
Classification: Pathogenic for Polycystic kidney disease, adult type. Last evaluated: 2025-05-01. Review status: criteria provided, single submitter. Criteria: LabCorp Variant Classification Summary - May 2015. Collection method: clinical testing. Allele origin: germline.
Comment: Variant summary: PKD1 c.5931delC (p.Asn1978ThrfsX138) results in a premature termination codon, predicted to cause absence of the protein due to nonsense mediated decay, which is a commonly known mechanism for disease. The variant was absent in 234346 control chromosomes. To our knowledge, no occurrence of c.5931delC in individuals affected with Polycystic Kidney Disease 1 and no experimental evidence demonstrating its impact on protein function have been reported. No submitters have cited clinical-significance assessments for this variant to ClinVar. Based on the evidence outlined above, the variant was classified as pathogenic.